The following is an entry in ClinVar:

NM_000152.5(GAA):c.1054C>A (p.Gln352Lys)

Gene: GAA (alpha glucosidase; plus strand). Cytogenetic location: 17q25.3.
Variant type: single nucleotide variant.
Coding change: c.1054C>A on transcript NM_000152.5 (MANE Select); coding-DNA position 1054, C replaced by A.
Protein change: p.Gln352Lys; replaces glutamine 352 with lysine.
Molecular consequence: missense variant.
Genome position (GRCh38, 1-based): chr17:80,108,388, C>A. VCF-style: chr17-80108388-C-A. GRCh37 (hg19) VCF-style: chr17-78082187-C-A.
Other names: c.1054C>A, p.Gln352Lys (NM_001079803.3, NM_001079804.3, NM_001406741.1 and 1 more transcripts); short protein forms Q352K.
Identifiers: ClinVar variation 1994084 (VCV001994084.4), dbSNP rs764355476, ClinGen allele CA401364751.

ClinVar aggregate classification (germline): Uncertain significance (1 of 4 stars; one submission).

Conditions:
Glycogen storage disease, type II (IOPD). Also called: Glycogen storage disease type 2; Acid maltase deficiency disease; Aglucosidase alfa; Deficiency of alpha-glucosidase; Deficiency of lysosomal alpha-glucosidase; Glucosidase acid-1,4-alpha deficiency. Identifiers: Orphanet 365, MedGen C0017921, MONDO:0009290, OMIM 232300.

Submission:

Labcorp Genetics (formerly Invitae), Labcorp
Classification: Uncertain significance for Glycogen storage disease, type II. Last evaluated: 2022-05-13. Review status: criteria provided, single submitter. Criteria: Invitae Variant Classification Sherloc (09022015). Collection method: clinical testing. Allele origin: germline.
Comment: This sequence change replaces glutamine, which is neutral and polar, with lysine, which is basic and polar, at codon 352 of the GAA protein (p.Gln352Lys). This variant is not present in population databases (gnomAD no frequency). This variant has not been reported in the literature in individuals affected with GAA-related conditions. Advanced modeling of protein sequence and biophysical properties (such as structural, functional, and spatial information, amino acid conservation, physicochemical variation, residue mobility, and thermodynamic stability) performed at Invitae indicates that this missense variant is not expected to disrupt GAA protein function. In summary, the available evidence is currently insufficient to determine the role of this variant in disease. Therefore, it has been classified as a Variant of Uncertain Significance.